The following is an entry in ClinVar:

ClinVar aggregate classification (germline): Likely benign (1 of 4 stars; one submission).

Conditions:
FREM1-related disorder. Also called: FREM1-Related Disorders; FREM1-related condition.

gnomAD v4.1: 1 of 1,610,668 alleles (0.000062%); highest among the groups gnomAD compares: Non-Finnish European, 0.000085%; no homozygotes.

Submission:

PreventionGenetics, part of Exact Sciences
Classification: Likely benign for FREM1-related condition. Last evaluated: 2025-10-06. Review status: criteria provided, single submitter. Criteria: ACMG Guidelines, 2015. Collection method: clinical testing. Allele origin: germline.
Comment: This variant is classified as likely benign based on ACMG/AMP sequence variant interpretation guidelines (Richards et al. 2015 PMID: 25741868, with internal and published modifications).

NM_001379081.2(FREM1):c.5307C>T (p.Ser1769=)

Gene: FREM1 (FRAS1 related extracellular matrix 1; minus strand). Cytogenetic location: 9p22.3.
Variant type: single nucleotide variant.
Coding change: c.5307C>T on transcript NM_001379081.2 (MANE Select); coding-DNA position 5307, C replaced by T.
Protein change: p.Ser1769=; no amino-acid change (serine 1769 retained).
Molecular consequence: synonymous variant. On other transcripts: non-coding transcript variant (2).
Genome position (GRCh38, 1-based): chr9:14,759,799, G>A on the plus strand (C>T on the coding strand, the complement: FREM1 is on the minus strand). VCF-style: chr9-14759799-G-A. GRCh37 (hg19) VCF-style: chr9-14759797-G-A.
Other names: c.915C>T, p.Ser305= (NM_001177704.3, NM_001370058.2, NM_001370061.2); c.5307C>T, p.Ser1769= (NM_144966.7).
Identifiers: ClinVar variation 4989245 (VCV004989245.1).